The following is an entry in ClinVar:

ClinVar aggregate classification (germline): Uncertain significance (1 of 4 stars; one submission).

Conditions:
Xeroderma pigmentosum, group F (XPF). Also called: ERCC4-Related Xeroderma Pigmentosum; XERODERMA PIGMENTOSUM VI; XP, GROUP F; XERODERMA PIGMENTOSUM, COMPLEMENTATION GROUP F; Xeroderma pigmentosum, type 6; XERODERMA PIGMENTOSUM, TYPE F. Identifiers: MedGen C0268140, MONDO:0010215, OMIM 278760.
Cockayne syndrome. Identifiers: Orphanet 191, MedGen C0009207, MONDO:0016006.
Fanconi anemia complementation group Q. Identifiers: Orphanet 84, MedGen C3808988, MONDO:0014108, OMIM 615272.

Submission:

Labcorp Genetics (formerly Invitae), Labcorp
Classification: Uncertain significance for Fanconi anemia complementation group Q; Xeroderma pigmentosum, group F; Cockayne syndrome. Last evaluated: 2025-07-13. Review status: criteria provided, single submitter. Criteria: Invitae Variant Classification Sherloc (09022015). Collection method: clinical testing. Allele origin: germline.
Comment: This sequence change replaces threonine, which is neutral and polar, with serine, which is neutral and polar, at codon 305 of the ERCC4 protein (p.Thr305Ser). This variant is not present in population databases (gnomAD no frequency). This variant has not been reported in the literature in individuals affected with ERCC4-related conditions. ClinVar contains an entry for this variant (Variation ID: 1008933). Invitae Evidence Modeling of protein sequence and biophysical properties (such as structural, functional, and spatial information, amino acid conservation, physicochemical variation, residue mobility, and thermodynamic stability) indicates that this missense variant is not expected to disrupt ERCC4 protein function with a negative predictive value of 80%. In summary, the available evidence is currently insufficient to determine the role of this variant in disease. Therefore, it has been classified as a Variant of Uncertain Significance.

NM_005236.3(ERCC4):c.913A>T (p.Thr305Ser)

Gene: ERCC4 (ERCC excision repair 4, endonuclease catalytic subunit; plus strand). Cytogenetic location: 16p13.12.
Variant type: single nucleotide variant.
Coding change: c.913A>T on transcript NM_005236.3 (MANE Select); coding-DNA position 913, A replaced by T.
Protein change: p.Thr305Ser; replaces threonine 305 with serine.
Molecular consequence: missense variant.
Genome position (GRCh38, 1-based): chr16:13,930,830, A>T. VCF-style: chr16-13930830-A-T. GRCh37 (hg19) VCF-style: chr16-14024687-A-T.
Other names: short protein forms T305S.
Identifiers: ClinVar variation 1008933 (VCV001008933.8), dbSNP rs772385411, ClinGen allele CA394804660.